The following continues an entry in ClinVar:

NM_007294.4(BRCA1):c.2412G>C (p.Gln804His)

Gene: BRCA1. ClinVar aggregate classification (germline): Benign. Benign (1).

Submissions 17 to 25 of 25:

Color Diagnostics, LLC DBA Color Health
Classification: Likely benign for Hereditary cancer-predisposing syndrome. Last evaluated: 2015-07-21. Review status: criteria provided, single submitter. Criteria: ACMG Guidelines, 2015. Collection method: clinical testing. Allele origin: germline. Not counted in ClinVar's aggregate classification.

Ambry Genetics
Classification: Benign for Hereditary cancer-predisposing syndrome. Last evaluated: 2014-11-18. Review status: criteria provided, single submitter. Criteria: Ambry Variant Classification Scheme 2023. Collection method: clinical testing. Allele origin: germline. Not counted in ClinVar's aggregate classification.

PreventionGenetics, part of Exact Sciences
Classification: Benign for BRCA1-related condition. Last evaluated: 2020-09-25. Review status: no assertion criteria provided. Collection method: clinical testing. Allele origin: germline. Not counted in ClinVar's aggregate classification.
Comment: This variant is classified as benign based on ACMG/AMP sequence variant interpretation guidelines (Richards et al. 2015 PMID: 25741868, with internal and published modifications).

BRCAlab, Lund University
Classification: Benign for Breast-ovarian cancer, familial, susceptibility to, 1. Last evaluated: 2020-03-02. Review status: no assertion criteria provided. Collection method: clinical testing. Allele origin: germline. Affected: yes. Not counted in ClinVar's aggregate classification.

Counsyl
Classification: Likely benign for Breast-ovarian cancer, familial 1. Last evaluated: 2014-09-15. Review status: no assertion criteria provided. Collection method: literature only. Allele origin: unknown. Inheritance: Autosomal dominant inheritance. Not counted in ClinVar's aggregate classification.

ITMI
No classification provided. Condition: AllHighlyPenetrant. Last evaluated: 2013-09-19. Review status: no classification provided. Collection method: reference population. Allele origin: germline. Not counted in ClinVar's aggregate classification.
Comment: Please see associated publication for description of ethnicities

Breast Cancer Information Core (BIC) (BRCA1)
Classification: Uncertain significance for Breast-ovarian cancer, familial 1. Last evaluated: 2002-05-29. Review status: no assertion criteria provided. Collection method: clinical testing. Allele origin: germline. Affected: yes. Observed: 15 variant alleles. Not counted in ClinVar's aggregate classification.

Clinical Genetics Laboratory, Department of Pathology, Netherlands Cancer Institute
Classification: Benign. Review status: no assertion criteria provided. Collection method: clinical testing. Allele origin: germline. Affected: yes. Study: VKGL Data-share Consensus. Not counted in ClinVar's aggregate classification.

Department of Pathology and Laboratory Medicine, Sinai Health System
Classification: Uncertain significance. Review status: no assertion criteria provided. Collection method: clinical testing. Allele origin: unknown. Affected: yes. Observed: 1 variant allele. Study: The Canadian Open Genetics Repository (COGR). Not counted in ClinVar's aggregate classification.

Literature cited by the submitters: PubMed 21990134 (cited by 3 submitters); PubMed 25348012 (cited by Quest Diagnostics Nichols Institute San Juan Capistrano and Women's Health and Genetics/Laboratory Corporation of America, LabCorp); PubMed 29785135 (cited by Quest Diagnostics Nichols Institute San Juan Capistrano); PubMed 21203900 (cited by Quest Diagnostics Nichols Institute San Juan Capistrano and Women's Health and Genetics/Laboratory Corporation of America, LabCorp); PubMed 18497862 (cited by Quest Diagnostics Nichols Institute San Juan Capistrano and Women's Health and Genetics/Laboratory Corporation of America, LabCorp); PubMed 33471991 (cited by Quest Diagnostics Nichols Institute San Juan Capistrano and Women's Health and Genetics/Laboratory Corporation of America, LabCorp); PubMed 11183185 (cited by Quest Diagnostics Nichols Institute San Juan Capistrano and Women's Health and Genetics/Laboratory Corporation of America, LabCorp); PubMed 22425665 (cited by Quest Diagnostics Nichols Institute San Juan Capistrano and Women's Health and Genetics/Laboratory Corporation of America, LabCorp); PubMed 15983021 (cited by 3 submitters); PubMed 17924331 (cited by 3 submitters); PubMed 16489001 (cited by 3 submitters); PubMed 15235020 (cited by 3 submitters); PubMed 24728327 (cited by 3 submitters); PubMed 26381082 (cited by Quest Diagnostics Nichols Institute San Juan Capistrano); PubMed 22366370 (cited by Quest Diagnostics Nichols Institute San Juan Capistrano and Women's Health and Genetics/Laboratory Corporation of America, LabCorp); PubMed 16644204 (cited by Quest Diagnostics Nichols Institute San Juan Capistrano and Women's Health and Genetics/Laboratory Corporation of America, LabCorp); PubMed 12457999 (cited by Quest Diagnostics Nichols Institute San Juan Capistrano and Women's Health and Genetics/Laboratory Corporation of America, LabCorp); PubMed 11802209 (cited by Quest Diagnostics Nichols Institute San Juan Capistrano and Women's Health and Genetics/Laboratory Corporation of America, LabCorp); PubMed 16267036 (cited by Women's Health and Genetics/Laboratory Corporation of America, LabCorp); PubMed 23555315 (cited by Women's Health and Genetics/Laboratory Corporation of America, LabCorp); PubMed 22476429 (cited by Women's Health and Genetics/Laboratory Corporation of America, LabCorp); PubMed 28525389 (cited by Women's Health and Genetics/Laboratory Corporation of America, LabCorp).